The following is an entry in ClinVar:

NM_001127208.3(TET2):c.3248A>C (p.Gln1083Pro)

Genes: TET2 (tet methylcytosine dioxygenase 2; plus strand), TET2-AS1 (TET2 antisense RNA 1; minus strand). Cytogenetic location: 4q24.
Variant type: single nucleotide variant.
Coding change: c.3248A>C on transcript NM_001127208.3 (MANE Select); coding-DNA position 3248, A replaced by C.
Protein change: p.Gln1083Pro; replaces glutamine 1083 with proline.
Molecular consequence: missense variant.
Genome position (GRCh38, 1-based): chr4:105,237,190, A>C. VCF-style: chr4-105237190-A-C. GRCh37 (hg19) VCF-style: chr4-106158347-A-C.
Other names: c.3248A>C, p.Gln1083Pro (NM_017628.4); short protein forms Q1083P.
Identifiers: ClinVar variation 4183015 (VCV004183015.1).

ClinVar aggregate classification (germline): Uncertain significance (1 of 4 stars; one submission).

Submission:

Ambry Genetics
Classification: Uncertain significance. Last evaluated: 2025-08-09. Review status: criteria provided, single submitter. Criteria: Ambry Variant Classification Scheme 2023. Collection method: clinical testing. Allele origin: germline.
Comment: The p.Q1083P variant (also known as c.3248A>C), located in coding exon 1 of the TET2 gene, results from an A to C substitution at nucleotide position 3248. The glutamine at codon 1083 is replaced by proline, an amino acid with similar properties. This amino acid position is conserved. In addition, this alteration is predicted to be tolerated by in silico analysis. Based on the available evidence, the clinical significance of this variant remains unclear.